The following is an entry in ClinVar:

ClinVar aggregate classification (germline): Uncertain significance (1 of 4 stars; one submission).

Conditions:
Hypertrophic cardiomyopathy 26. Also called: Cardiomyopathy, familial hypertrophic, 26. Identifiers: Orphanet 75249, MedGen C4310749, MONDO:0014883, OMIM 617047.
Distal myopathy with posterior leg and anterior hand involvement. Also called: WILLIAMS DISTAL MYOPATHY. Identifiers: Orphanet 63273, MedGen C3279722, MONDO:0013550, OMIM 614065.
Myofibrillar myopathy 5. Also called: FILAMINOPATHY, AUTOSOMAL DOMINANT; Filaminopathy (type). Identifiers: Orphanet 171445, MedGen C1836050, MONDO:0012289, OMIM 609524.

Submission:

Labcorp Genetics (formerly Invitae), Labcorp
Classification: Uncertain significance for Distal myopathy with posterior leg and anterior hand involvement; Myofibrillar myopathy 5; Hypertrophic cardiomyopathy 26. Last evaluated: 2026-01-11. Review status: criteria provided, single submitter. Criteria: Invitae Variant Classification Sherloc (09022015). Collection method: clinical testing. Allele origin: germline.
Comment: This sequence change replaces phenylalanine, which is neutral and non-polar, with serine, which is neutral and polar, at codon 2302 of the FLNC protein (p.Phe2302Ser). This variant is not present in population databases (gnomAD no frequency). This variant has not been reported in the literature in individuals affected with FLNC-related conditions. ClinVar contains an entry for this variant (Variation ID: 2039700). Invitae Evidence Modeling of protein sequence and biophysical properties (such as structural, functional, and spatial information, amino acid conservation, physicochemical variation, residue mobility, and thermodynamic stability) has been performed for this missense variant. However, the output from this modeling did not meet the statistical confidence thresholds required to predict the impact of this variant on FLNC protein function. In summary, the available evidence is currently insufficient to determine the role of this variant in disease. Therefore, it has been classified as a Variant of Uncertain Significance.

NM_001458.5(FLNC):c.6905T>C (p.Phe2302Ser)

Genes: FLNC (filamin C; plus strand), FLNC-AS1 (FLNC antisense RNA 1; minus strand). Cytogenetic location: 7q32.1.
Variant type: single nucleotide variant.
Coding change: c.6905T>C on transcript NM_001458.5 (MANE Select); coding-DNA position 6905, T replaced by C.
Protein change: p.Phe2302Ser; replaces phenylalanine 2302 with serine.
Molecular consequence: missense variant.
Genome position (GRCh38, 1-based): chr7:128,854,590, T>C. VCF-style: chr7-128854590-T-C. GRCh37 (hg19) VCF-style: chr7-128494644-T-C.
Other names: c.6806T>C, p.Phe2269Ser (NM_001127487.2); short protein forms F2269S, F2302S.
Identifiers: ClinVar variation 2039700 (VCV002039700.4), dbSNP rs2536665275, ClinGen allele CA369214136.